The following is an entry in ClinVar:

ClinVar aggregate classification (germline): Uncertain significance (1 of 4 stars; one submission).

Conditions:
Renal cell carcinoma. Identifiers: Orphanet 217071, MedGen C0007134, MeSH D002292, MONDO:0005086, HP:0005584.

Allele frequency attached by ClinVar (database versions not stated): gnomAD exomes below 0.00001.
gnomAD v4.1: 2 of 1,614,170 alleles (0.00012%); highest among the groups gnomAD compares: Non-Finnish European, 0.00017%; no homozygotes.

Submission:

Labcorp Genetics (formerly Invitae), Labcorp
Classification: Uncertain significance for Renal cell carcinoma. Last evaluated: 2018-08-19. Review status: criteria provided, single submitter. Criteria: Invitae Variant Classification Sherloc (09022015). Collection method: clinical testing. Allele origin: germline.
Comment: This sequence change replaces isoleucine with methionine at codon 1060 of the MET protein (p.Ile1060Met). The isoleucine residue is moderately conserved and there is a small physicochemical difference between isoleucine and methionine. This variant is not present in population databases (ExAC no frequency). This variant has not been reported in the literature in individuals with MET-related disease. Algorithms developed to predict the effect of missense changes on protein structure and function output the following: SIFT: "Tolerated"; PolyPhen-2: "Benign"; Align-GVGD: "Class C0". The methionine amino acid residue is found in multiple mammalian species, suggesting that this missense change does not adversely affect protein function. These predictions have not been confirmed by published functional studies and their clinical significance is uncertain. In summary, the available evidence is currently insufficient to determine the role of this variant in disease. Therefore, it has been classified as a Variant of Uncertain Significance.

NM_000245.4(MET):c.3126A>G (p.Ile1042Met)

Gene: MET (MET proto-oncogene, receptor tyrosine kinase; plus strand). Cytogenetic location: 7q31.2.
Variant type: single nucleotide variant.
Coding change: c.3126A>G on transcript NM_000245.4 (MANE Select); coding-DNA position 3126, A replaced by G.
Protein change: p.Ile1042Met; replaces isoleucine 1042 with methionine.
Molecular consequence: missense variant.
Genome position (GRCh38, 1-based): chr7:116,774,978, A>G. VCF-style: chr7-116774978-A-G. GRCh37 (hg19) VCF-style: chr7-116415032-A-G.
Other names: c.3180A>G, p.Ile1060Met (NM_001127500.3); c.1836A>G, p.Ile612Met (NM_001324402.2); c.3180A>G (LRG_662t1); short protein forms I1060M, I1042M, I612M.
Identifiers: ClinVar variation 664332 (VCV000664332.10), dbSNP rs1237033724, ClinGen allele CA368988237.
Genomic context (GRCh38, chr7:116,774,978, plus strand): 5'-ACAAGTGCAGTATCCTCTGACAGACATGTCCCCCATCCTAACTAGTGGGGACTCTGATAT[A>G]TCCAGTCCATTACTGCAAAATACTGTCCACATTGACCTCAGTGCTCTAAATCCAGAGCTG-3'
Protein context (NP_000236.2, residues 1032-1052): SPILTSGDSD[Ile1042Met]SSPLLQNTVH